The following is an entry in ClinVar:

ClinVar aggregate classification (germline): Uncertain significance. Review status: criteria provided, multiple submitters, no conflicts (2 of 4 stars). 2 submissions from 2 submitters: Uncertain significance (2). Last evaluated 2025-01-21.

Conditions:
Congenital disorder of glycosylation, type Iaa. Also called: Congenital disorder of glycosylation, type 1aa. Identifiers: MedGen C4310727, MONDO:0014904, OMIM 617082.
Inborn genetic diseases. Identifiers: MedGen C0950123, MeSH D030342.

gnomAD v4.1: 31 of 1,495,562 alleles (0.0021%); highest among the groups gnomAD compares: Non-Finnish European, 0.0026%; no homozygotes.

Submissions (2):

Ambry Genetics
Classification: Uncertain significance for Inborn genetic diseases. Last evaluated: 2025-01-21. Review status: criteria provided, single submitter. Criteria: Ambry Variant Classification Scheme 2023. Collection method: clinical testing. Allele origin: germline.

Labcorp Genetics (formerly Invitae), Labcorp
Classification: Uncertain significance for Congenital disorder of glycosylation, type Iaa. Last evaluated: 2024-09-17. Review status: criteria provided, single submitter. Criteria: Invitae Variant Classification Sherloc (09022015). Collection method: clinical testing. Allele origin: germline.
Comment: This sequence change replaces valine, which is neutral and non-polar, with leucine, which is neutral and non-polar, at codon 8 of the NUS1 protein (p.Val8Leu). This variant is not present in population databases (gnomAD no frequency). This variant has not been reported in the literature in individuals affected with NUS1-related conditions. An algorithm developed to predict the effect of missense changes on protein structure and function (PolyPhen-2) suggests that this variant is likely to be tolerated. In summary, the available evidence is currently insufficient to determine the role of this variant in disease. Therefore, it has been classified as a Variant of Uncertain Significance.

NM_138459.5(NUS1):c.22G>C (p.Val8Leu)

Gene: NUS1 (NUS1 dehydrodolichyl diphosphate synthase subunit; plus strand). Cytogenetic location: 6q22.1.
Variant type: single nucleotide variant.
Coding change: c.22G>C on transcript NM_138459.5 (MANE Select); coding-DNA position 22, G replaced by C.
Protein change: p.Val8Leu; replaces valine 8 with leucine.
Molecular consequence: missense variant.
Genome position (GRCh38, 1-based): chr6:117,675,692, G>C. VCF-style: chr6-117675692-G-C. GRCh37 (hg19) VCF-style: chr6-117996855-G-C.
Other names: c.22G>C (NM_138459.3); short protein forms V8L.
Identifiers: ClinVar variation 3607771 (VCV003607771.3).
Genomic context (GRCh38, chr6:117,675,692, plus strand): 5'-GGGCGGGAGGGAGAGGGGGTGTCTGAGGGCCACAAGAGTATGACGGGGCTGTACGAGCTG[G>C]TGTGGCGGGTGCTGCACGCGCTGCTCTGTCTGCACCGCACGCTCACCTCCTGGCTCCGCG-3'
Protein context (NP_612468.1, residues 1-18): MTGLYEL[Val8Leu]WRVLHALLCL